The following is an entry in ClinVar:

ClinVar aggregate classification (germline): Pathogenic (1 of 4 stars; one submission).

Conditions:
Neurofibromatosis, type 1 (NF1). Also called: VON RECKLINGHAUSEN DISEASE; NEUROFIBROMATOSIS, TYPE I, SOMATIC; Neurofibromatosis, type I; Peripheral type neurofibromatosis. Identifiers: Orphanet 636, MedGen C0027831, MONDO:0018975, OMIM 162200. Disease mechanism: loss of function.

Submission:

Labcorp Genetics (formerly Invitae), Labcorp
Classification: Pathogenic for Neurofibromatosis, type 1. Last evaluated: 2023-02-09. Review status: criteria provided, single submitter. Criteria: Invitae Variant Classification Sherloc (09022015). Collection method: clinical testing. Allele origin: germline.
Comment: For these reasons, this variant has been classified as Pathogenic. This variant has not been reported in the literature in individuals affected with NF1-related conditions. This sequence change creates a premature translational stop signal (p.Glu1714Glyfs*3) in the NF1 gene. It is expected to result in an absent or disrupted protein product. Loss-of-function variants in NF1 are known to be pathogenic (PMID: 10712197, 23913538). This variant is not present in population databases (gnomAD no frequency).

Literature cited by the submitters: PubMed 10712197; PubMed 23913538.

NM_001042492.3(NF1):c.5204del (p.Glu1735fs)

Gene: NF1 (neurofibromin 1; plus strand). Cytogenetic location: 17q11.2.
Variant type: Deletion.
Coding change: c.5204del on transcript NM_001042492.3 (MANE Select); coding-DNA position 5204, one base deleted (A; older notation c.5204delA).
Protein change: p.Glu1735fs; shifts the reading frame from glutamic acid 1735.
Molecular consequence: frameshift variant.
Genome position (GRCh38, 1-based): chr17:31,326,188, A deleted. VCF-style (leftmost placement, unchanged base first): chr17-31326187-GA-G. GRCh37 (hg19) VCF-style: chr17-29653205-GA-G.
Other names: c.5141delA, p.Glu1714Glyfs (NM_000267.4); short protein forms E1735fs, E1714fs.
Identifiers: ClinVar variation 2835664 (VCV002835664.3), dbSNP rs2508698181, ClinGen allele CA2739267461.
Genomic context (GRCh38, chr17:31,326,187, plus strand): 5'-CTGGCTGAGCACATAGAGCATGAACAACAGAAACTACCTGCTGCCACCTTGGCTTTAGAA[GA>G]GGACCTGAAGGTATTCCACAATGCTCTCAAGCTAGCTCACAAAGACACCAAAGTTTCTAT-3'